The following is an entry in ClinVar:

NM_000214.3(JAG1):c.2701C>A (p.Pro901Thr)

Gene: JAG1 (jagged canonical Notch ligand 1; minus strand). Cytogenetic location: 20p12.2.
Variant type: single nucleotide variant.
Coding change: c.2701C>A on transcript NM_000214.3 (MANE Select); coding-DNA position 2701, C replaced by A.
Protein change: p.Pro901Thr; replaces proline 901 with threonine.
Molecular consequence: missense variant.
Genome position (GRCh38, 1-based): chr20:10,641,675, G>T on the plus strand (C>A on the coding strand, the complement: JAG1 is on the minus strand). VCF-style: chr20-10641675-G-T. GRCh37 (hg19) VCF-style: chr20-10622323-G-T.
Other names: c.2701C>A (NM_000214.2); short protein forms P901T.
Identifiers: ClinVar variation 1060160 (VCV001060160.12), dbSNP rs372904306, ClinGen allele CA9764410.
Genomic context (GRCh38, chr20:10,641,675, plus strand): 5'-GGATGGGGATGCAGCTCTGCCCGCTGGGGCACTCGCTGTGCCCTTTGTGGAGCAGGCAAG[G>T]TCGAGGGCCACACCAGACCTGGAGAAAAACAGAAGCTGGCAGCTTAGCAGGCATGCTCAT-3'
Protein context (NP_000205.1, residues 891-911): ACSKVWCGPR[Pro901Thr]CLLHKGHSEC

ClinVar aggregate classification (germline): Conflicting classifications of pathogenicity. Review status: criteria provided, conflicting classifications (1 of 4 stars). 3 submissions from 3 submitters: Uncertain significance (2); Likely benign (1). Last evaluated 2024-08-01.

Conditions:
Alagille syndrome due to a JAG1 point mutation. Also called: HEPATIC DUCTULAR HYPOPLASIA, SYNDROMATIC; JAG1-Related Alagille Syndrome; Alagille Syndrome 1. Identifiers: Orphanet 261619, Orphanet 52, MedGen C1956125, MONDO:0016862, OMIM 118450.
Tetralogy of Fallot (TOF). Identifiers: Orphanet 3303, MedGen C0039685, MONDO:0008542, OMIM 187500, HP:0001636.
Charcot-Marie-Tooth disease, axonal, Type 2HH. Also called: CHARCOT-MARIE-TOOTH NEUROPATHY, TYPE 2HH. Identifiers: MedGen C5562003, MONDO:0030458, OMIM 619574.
Deafness, congenital heart defects, and posterior embryotoxon (DCHE). Identifiers: MedGen C1866053, MONDO:0060713, OMIM 617992.
Cardiovascular phenotype. Identifiers: MedGen CN230736.

Allele frequency attached by ClinVar (database versions not stated): ExAC 0.00001; gnomAD exomes 0.00001; TOPMed 0.00002; gnomAD 0.00004; ESP Exome Variant Server 0.00008.
gnomAD v4.1: 13 of 1,613,860 alleles (0.00081%); highest among the groups gnomAD compares: African/African-American, 0.0013%; no homozygotes.

Submissions (3):

Labcorp Genetics (formerly Invitae), Labcorp
Classification: Likely benign for Alagille syndrome due to a JAG1 point mutation. Last evaluated: 2024-08-01. Review status: criteria provided, single submitter. Criteria: Invitae Variant Classification Sherloc (09022015). Collection method: clinical testing. Allele origin: germline.

Fulgent Genetics
Classification: Uncertain significance for Alagille syndrome due to a JAG1 point mutation; Tetralogy of Fallot; Deafness, congenital heart defects, and posterior embryotoxon; Charcot-Marie-Tooth disease, axonal, Type 2HH. Last evaluated: 2024-02-02. Review status: criteria provided, single submitter. Criteria: ACMG Guidelines, 2015. Collection method: clinical testing. Allele origin: germline.

Ambry Genetics
Classification: Uncertain significance for Cardiovascular phenotype. Last evaluated: 2022-11-04. Review status: criteria provided, single submitter. Criteria: Ambry Variant Classification Scheme 2023. Collection method: clinical testing. Allele origin: germline.
Comment: The p.P901T variant (also known as c.2701C>A), located in coding exon 23 of the JAG1 gene, results from a C to A substitution at nucleotide position 2701. The proline at codon 901 is replaced by threonine, an amino acid with highly similar properties. This amino acid position is conserved. In addition, this alteration is predicted to be tolerated by in silico analysis. Since supporting evidence is limited at this time, the clinical significance of this alteration remains unclear.